The following is an entry in ClinVar:

NM_020812.4(DOCK6):c.133G>C (p.Val45Leu)

Gene: DOCK6 (dedicator of cytokinesis 6; minus strand). Cytogenetic location: 19p13.2.
Variant type: single nucleotide variant.
Coding change: c.133G>C on transcript NM_020812.4 (MANE Select); coding-DNA position 133, G replaced by C.
Protein change: p.Val45Leu; replaces valine 45 with leucine.
Molecular consequence: missense variant.
Genome position (GRCh38, 1-based): chr19:11,252,958, C>G on the plus strand (G>C on the coding strand, the complement: DOCK6 is on the minus strand). VCF-style: chr19-11252958-C-G. GRCh37 (hg19) VCF-style: chr19-11363634-C-G.
Other names: c.133G>C, p.Val45Leu (NM_001367830.1); short protein forms V45L.
Identifiers: ClinVar variation 3698586 (VCV003698586.2).

ClinVar aggregate classification (germline): Uncertain significance (1 of 4 stars; one submission).

Submission:

Labcorp Genetics (formerly Invitae), Labcorp
Classification: Uncertain significance. Last evaluated: 2024-03-15. Review status: criteria provided, single submitter. Criteria: Invitae Variant Classification Sherloc (09022015). Collection method: clinical testing. Allele origin: germline.
Comment: This sequence change replaces valine, which is neutral and non-polar, with leucine, which is neutral and non-polar, at codon 45 of the DOCK6 protein (p.Val45Leu). This variant is present in population databases (no rsID available, gnomAD 0.003%). This variant has not been reported in the literature in individuals affected with DOCK6-related conditions. An algorithm developed to predict the effect of missense changes on protein structure and function (PolyPhen-2) suggests that this variant is likely to be tolerated. In summary, the available evidence is currently insufficient to determine the role of this variant in disease. Therefore, it has been classified as a Variant of Uncertain Significance.